The following is an entry in ClinVar:

NM_000110.4(DPYD):c.75_77delinsAG (p.His25fs)

Gene: DPYD (dihydropyrimidine dehydrogenase; minus strand). Cytogenetic location: 1p21.3.
Variant type: Indel.
Coding change: c.75_77delinsAG on transcript NM_000110.4 (MANE Select); coding-DNA positions 75 to 77, TGC replaced by AG.
Protein change: p.His25fs; shifts the reading frame from histidine 25.
Molecular consequence: frameshift variant.
Genome position (GRCh38, 1-based): chr1:97,883,337-97,883,339, GCA replaced by CT on the plus strand (TGC replaced by AG on the coding strand, the reverse complement: DPYD is on the minus strand). VCF-style: chr1-97883337-GCA-CT. GRCh37 (hg19) VCF-style: chr1-98348893-GCA-CT.
Other names: c.75_77delinsAG, p.His25fs (NM_001160301.1); short protein forms H25fs.
Identifiers: ClinVar variation 5011285 (VCV005011285.1).

ClinVar aggregate classification (germline): Pathogenic (1 of 4 stars; one submission).

Conditions:
Dihydropyrimidine dehydrogenase deficiency (DPYDD). Also called: DPD DEFICIENCY; DPYD DEFICIENCY; Hereditary Thymine-Uraciluria. Identifiers: Orphanet 1675, MedGen C1959620, MONDO:0010130, OMIM 274270.

Submission:

Myriad Genetics, Inc.
Classification: Pathogenic for Dihydropyrimidine dehydrogenase deficiency. Last evaluated: 2023-08-09. Review status: criteria provided, single submitter. Criteria: Myriad Autosomal Dominant, Autosomal Recessive and X-Linked Classification Criteria (2023). Collection method: clinical testing. Allele origin: unknown.
Comment: NM_000110.3(DPYD):c.75_77delTGCinsAG(H25Qfs*12) is expected to be pathogenic in the context of dihydropyrimidine dehydrogenase deficiency. This variant is predicted to lead to an abnormal or absent protein product due to the creation of a premature termination codon in DPYD, a gene where loss-of-function variants are known to be pathogenic. Please note: this variant was assessed in the context of healthy population screening.